The following is an entry in ClinVar:

ClinVar aggregate classification (germline): Uncertain significance. Review status: criteria provided, multiple submitters, no conflicts (2 of 4 stars). 2 submissions from 2 submitters: Uncertain significance (2). Last evaluated 2026-07-29.

Conditions:
EP300-related disorder. Also called: EP300-related condition; EP300-related disorders.

Submissions (2):

PreventionGenetics, part of Exact Sciences
Classification: Uncertain significance for EP300-related condition. Last evaluated: 2026-07-29. Review status: criteria provided, single submitter. Criteria: ACMG Guidelines, 2015. Collection method: clinical testing. Allele origin: germline.
Comment: The EP300 c.312G>T variant is predicted to result in the amino acid substitution p.Met104Ile. To our knowledge, this variant has not been reported in the literature or in a large population database (gnomAD), indicating this variant is rare. At this time, the clinical significance of this variant is uncertain due to the absence of conclusive functional and genetic evidence.

GeneDx
Classification: Uncertain significance. Last evaluated: 2024-07-02. Review status: criteria provided, single submitter. Criteria: GeneDx Variant Classification Process June 2021. Collection method: clinical testing. Allele origin: germline. Affected: yes.
Comment: Not observed at significant frequency in large population cohorts (gnomAD); In silico analysis indicates that this missense variant does not alter protein structure/function; Has not been previously published as pathogenic or benign to our knowledge

NM_001429.4(EP300):c.312G>T (p.Met104Ile)

Gene: EP300 (EP300 lysine acetyltransferase; plus strand). Cytogenetic location: 22q13.2.
Variant type: single nucleotide variant.
Coding change: c.312G>T on transcript NM_001429.4 (MANE Select); coding-DNA position 312, G replaced by T.
Protein change: p.Met104Ile; replaces methionine 104 with isoleucine.
Molecular consequence: missense variant.
Genome position (GRCh38, 1-based): chr22:41,117,404, G>T. VCF-style: chr22-41117404-G-T. GRCh37 (hg19) VCF-style: chr22-41513408-G-T.
Other names: c.312G>T, p.Met104Ile (NM_001362843.2); short protein forms M104I.
Identifiers: ClinVar variation 3393856 (VCV003393856.2).